The following is an entry in ClinVar:

NM_139076.3(ABRAXAS1):c.176T>A (p.Ile59Asn)

Gene: ABRAXAS1 (abraxas 1, BRCA1 A complex subunit; minus strand). Cytogenetic location: 4q21.23.
Variant type: single nucleotide variant.
Coding change: c.176T>A on transcript NM_139076.3 (MANE Select); coding-DNA position 176, T replaced by A.
Protein change: p.Ile59Asn; replaces isoleucine 59 with asparagine.
Molecular consequence: missense variant. On other transcripts: 5 prime UTR variant (1).
Genome position (GRCh38, 1-based): chr4:83,482,156, A>T on the plus strand (T>A on the coding strand, the complement: ABRAXAS1 is on the minus strand). VCF-style: chr4-83482156-A-T. GRCh37 (hg19) VCF-style: chr4-84403309-A-T.
Other names: c.-85T>A (NM_001345962.2); short protein forms I59N.
Identifiers: ClinVar variation 1019122 (VCV001019122.11), dbSNP rs772825230, ClinGen allele CA2990638.

ClinVar aggregate classification (germline): Uncertain significance. Review status: criteria provided, multiple submitters, no conflicts (2 of 4 stars). 2 submissions from 2 submitters: Uncertain significance (2). Last evaluated 2021-12-10.

gnomAD v4.1: 14 of 1,592,452 alleles (0.00088%); highest among the groups gnomAD compares: Non-Finnish European, 0.0012%; no homozygotes.

Submissions (2):

Ambry Genetics
Classification: Uncertain significance. Last evaluated: 2021-12-10. Review status: criteria provided, single submitter. Criteria: Ambry Variant Classification Scheme 2023. Collection method: clinical testing. Allele origin: germline.
Comment: The p.I59N variant (also known as c.176T>A), located in coding exon 2 of the FAM175A gene, results from a T to A substitution at nucleotide position 176. The isoleucine at codon 59 is replaced by asparagine, an amino acid with dissimilar properties. This amino acid position is conserved. In addition, the in silico prediction for this alteration is inconclusive. Since supporting evidence is limited at this time, the clinical significance of this alteration remains unclear.

Labcorp Genetics (formerly Invitae), Labcorp
Classification: Uncertain significance. Last evaluated: 2018-01-15. Review status: criteria provided, single submitter. Criteria: Invitae Variant Classification Sherloc (09022015). Collection method: clinical testing. Allele origin: germline.
Comment: In summary, the available evidence is currently insufficient to determine the role of this variant in disease. Therefore, it has been classified as a Variant of Uncertain Significance. This sequence change replaces isoleucine with asparagine at codon 59 of the FAM175A protein (p.Ile59Asn). The isoleucine residue is highly conserved and there is a large physicochemical difference between isoleucine and asparagine. This variant is present in population databases (rs772825230, ExAC 0.002%). This variant has not been reported in the literature in individuals with FAM175A-related disease. Algorithms developed to predict the effect of missense changes on protein structure and function do not agree on the potential impact of this missense change (SIFT: "Deleterious"; PolyPhen-2: "Probably Damaging"; Align-GVGD: "Class C0").